The following is an entry in ClinVar:

NM_000516.7(GNAS):c.236del (p.Ala79fs)

Gene: GNAS (GNAS complex locus; plus strand). Cytogenetic location: 20q13.32.
Variant type: Deletion.
Coding change: c.236del on transcript NM_000516.7 (MANE Select); coding-DNA position 236, one base deleted (C; older notation c.236delC).
Protein change: p.Ala79fs; shifts the reading frame from alanine 79.
Molecular consequence: frameshift variant. On other transcripts: 3 prime UTR variant (3), non-coding transcript variant (2), intron variant (6).
Genome position (GRCh38, 1-based): chr20:58,898,964, C deleted. VCF-style (leftmost placement, unchanged base first): chr20-58898963-GC-G. GRCh37 (hg19) VCF-style: chr20-57474018-GC-G.
Other names: c.236del, p.Ala79fs (NM_001077488.5, NM_001309842.2); c.*97del (NM_001077490.3); c.59del, p.Ala20fs (NM_001309840.2, NM_001309861.2, NM_001438276.1 and 1 more transcripts); c.*255del (NM_001309883.1); c.140del, p.Ala47fs (NM_001410912.1); c.*139del (NM_016592.5); c.2165del, p.Ala722fs (NM_080425.4); c.2141+3280del (NM_001410913.1); and 2 more; short protein forms A20fs, A47fs, A722fs, A79fs.
Identifiers: ClinVar variation 4530643 (VCV004530643.1).

ClinVar aggregate classification (germline): Likely pathogenic (0 of 4 stars; one submission).

Conditions:
Progressive osseous heteroplasia (POH). Also called: Progressive Osseus Heteroplasia (POH); Osseus Heteroplasia, Progressive; ECTOPIC OSSIFICATION, FAMILIAL; Osteoma cutis. Identifiers: Orphanet 2762, MedGen C0334041, MONDO:0008153, OMIM 166350, HP:0025027.
Pseudohypoparathyroidism type I A (PHP1A). Also called: Pseudohypoparathyroidism Ia (PHP-Ia); Pseudohypoparathyroidism Type IA; ALBRIGHT HEREDITARY OSTEODYSTROPHY WITH MULTIPLE HORMONE RESISTANCE; PHP IA; Pseudohypoparathyroidism type 1A. Identifiers: Orphanet 79443, MedGen C3494506, MONDO:0007078, OMIM 103580.

Submission:

Diagnostics Centre, Carl Von Ossietzky University Oldenburg
Classification: Likely pathogenic for Progressive osseous heteroplasia; Pseudohypoparathyroidism type I A. Last evaluated: 2025-02-19. Review status: no assertion criteria provided. Collection method: clinical testing. Allele origin: germline. Affected: yes. Observed: 1 variant allele.
Comment: The variant GNAS:c.236del p.(Ala79Valfs*21) results from a deletion of the nucleotide at position c.236. This leads to a frameshift at protein position 79 and the formation of a premature stop codon after 21 amino acids. The variant affects an exon [3/13] present in biologically relevant transcript and is predicted to cause protein truncation/absent due to nonsense mediated decay in a gene where loss-of-function is a known mechanism of disease. This variant has not yet been described in ClinVar or any other scientific publication known to us. The variant is classified as very rare since it is absent in gnomAD v4.1.0. In summary, this variant is classified as likely pathogenic.